The following is an entry in ClinVar:

NM_022455.5(NSD1):c.2194G>A (p.Asp732Asn)

Gene: NSD1 (nuclear receptor binding SET domain protein 1; plus strand). Cytogenetic location: 5q35.3.
Variant type: single nucleotide variant.
Coding change: c.2194G>A on transcript NM_022455.5 (MANE Select); coding-DNA position 2194, G replaced by A.
Protein change: p.Asp732Asn; replaces aspartic acid 732 with asparagine.
Molecular consequence: missense variant.
Genome position (GRCh38, 1-based): chr5:177,210,593, G>A. VCF-style: chr5-177210593-G-A. GRCh37 (hg19) VCF-style: chr5-176637594-G-A.
Other names: c.1321G>A, p.Asp441Asn (NM_001409307.1, NM_001409308.1, NM_001409309.1 and 3 more transcripts); c.2194G>A, p.Asp732Asn (NM_001409301.1, NM_001409302.1, NM_001409303.1); c.1774G>A, p.Asp592Asn (NM_001409304.1); c.1441G>A, p.Asp481Asn (NM_001409305.1); short protein forms D732N, D592N, D441N, D463N, D481N.
Identifiers: ClinVar variation 2064771 (VCV002064771.6), dbSNP rs151111670, ClinGen allele CA132830041.

ClinVar aggregate classification (germline): Conflicting classifications of pathogenicity. Review status: criteria provided, conflicting classifications (1 of 4 stars). 3 submissions from 3 submitters: Uncertain significance (1); Benign (1); Likely benign (1). Last evaluated 2026-07-24.

Conditions:
NSD1-related disorder. Also called: NSD1-related condition.
Sotos syndrome (SOTOS). Also called: CEREBRAL GIGANTISM; Sotos' syndrome; CHROMOSOME 5q35 DELETION SYNDROME; Distinctive facial appearance, overgrowth in childhood, and learning disabilities or delayed development; SOTOS SYNDROME 1. Identifiers: Orphanet 821, MedGen C0175695, MONDO:0019349, OMIM 117550.

Allele frequency attached by ClinVar (database versions not stated): gnomAD exomes below 0.00001; ESP Exome Variant Server 0.00008.
gnomAD v4.1: 8 of 1,613,936 alleles (0.0005%); highest among the groups gnomAD compares: African/African-American, 0.0093%; no homozygotes.

Submissions (3):

PreventionGenetics, part of Exact Sciences
Classification: Uncertain significance for NSD1-related condition. Last evaluated: 2026-07-24. Review status: criteria provided, single submitter. Criteria: ACMG Guidelines, 2015. Collection method: clinical testing. Allele origin: germline.
Comment: The NSD1 c.2194G>A variant is predicted to result in the amino acid substitution p.Asp732Asn. This variant has not been reported in patients with features consistent with Sotos syndrome. This variant is reported in 0.012% of alleles in individuals of African descent in gnomAD. At this time, the clinical significance of this variant is uncertain due to the absence of conclusive functional and genetic evidence.

Labcorp Genetics (formerly Invitae), Labcorp
Classification: Benign. Last evaluated: 2026-01-28. Review status: criteria provided, single submitter. Criteria: Invitae Variant Classification Sherloc (09022015). Collection method: clinical testing. Allele origin: germline.

Fulgent Genetics
Classification: Likely benign for Sotos syndrome. Last evaluated: 2024-05-16. Review status: criteria provided, single submitter. Criteria: ACMG Guidelines, 2015. Collection method: clinical testing. Allele origin: germline.